The following is an entry in ClinVar:

ClinVar aggregate classification (germline): Likely pathogenic (1 of 4 stars; one submission).

Conditions:
Familial focal epilepsy with variable foci (FPEVF). Identifiers: Orphanet 98820, MedGen C1858477, MONDO:0020310.

Submission:

Labcorp Genetics (formerly Invitae), Labcorp
Classification: Likely pathogenic for Familial focal epilepsy with variable foci. Last evaluated: 2023-10-12. Review status: criteria provided, single submitter. Criteria: Invitae Variant Classification Sherloc (09022015). Collection method: clinical testing. Allele origin: germline.
Comment: This sequence change affects an acceptor splice site in intron 12 of the DEPDC5 gene. It is expected to disrupt RNA splicing. Variants that disrupt the donor or acceptor splice site typically lead to a loss of protein function (PMID: 16199547), and loss-of-function variants in DEPDC5 are known to be pathogenic (PMID: 23542697, 23542701). This variant is not present in population databases (gnomAD no frequency). This variant has not been reported in the literature in individuals affected with DEPDC5-related conditions. ClinVar contains an entry for this variant (Variation ID: 939678). Algorithms developed to predict the effect of sequence changes on RNA splicing suggest that this variant may disrupt the consensus splice site. In summary, the currently available evidence indicates that the variant is pathogenic, but additional data are needed to prove that conclusively. Therefore, this variant has been classified as Likely Pathogenic.

Literature cited by the submitters: PubMed 16199547; PubMed 23542697; PubMed 23542701.

NM_001242896.3(DEPDC5):c.768-2A>G

Gene: DEPDC5 (DEP domain containing 5, GATOR1 subcomplex subunit; plus strand). Cytogenetic location: 22q12.2.
Variant type: single nucleotide variant.
Coding change: c.768-2A>G on transcript NM_001242896.3 (MANE Select); the canonical splice acceptor site of the intron before coding-DNA position 768, A replaced by G.
Molecular consequence: splice acceptor variant.
Genome position (GRCh38, 1-based): chr22:31,797,598, A>G. VCF-style: chr22-31797598-A-G. GRCh37 (hg19) VCF-style: chr22-32193584-A-G.
Other names: c.768-2A>G (NM_001364318.2, NM_001136029.4, NM_014662.6 and 7 more transcripts); c.684-2A>G (NM_001369902.1, NM_001369901.1).
Identifiers: ClinVar variation 939678 (VCV000939678.8), dbSNP rs2086393945, ClinGen allele CA411290421.